The following is an entry in ClinVar:

ClinVar aggregate classification (germline): Uncertain significance. Review status: criteria provided, multiple submitters, no conflicts (2 of 4 stars). 3 submissions from 3 submitters: Uncertain significance (2). 1 of the submissions does not count toward it. Last evaluated 2025-11-13.

Conditions:
Hereditary cancer-predisposing syndrome. Also called: Hereditary neoplastic syndrome; Neoplastic Syndromes, Hereditary; Hereditary Cancer Syndrome; Tumor predisposition. Identifiers: Orphanet 140162, MedGen C0027672, MeSH D009386, MONDO:0015356.
Fanconi anemia (FA). Also called: Fanconi's anemia. Identifiers: Orphanet 84, MedGen C0015625, MeSH D005199, MONDO:0019391.

Allele frequency attached by ClinVar (database versions not stated): gnomAD exomes below 0.00001; TOPMed 0.00002.
gnomAD v4.1: 2 of 1,614,138 alleles (0.00012%); highest among the groups gnomAD compares: Non-Finnish European, 0.00017%; no homozygotes.

Submissions (3):

Ambry Genetics
Classification: Uncertain significance for Hereditary cancer-predisposing syndrome. Last evaluated: 2025-11-13. Review status: criteria provided, single submitter. Criteria: Ambry Variant Classification Scheme 2023. Collection method: clinical testing. Allele origin: germline.
Comment: The p.F525L variant (also known as c.1573T>C), located in coding exon 14 of the FANCC gene, results from a T to C substitution at nucleotide position 1573. The phenylalanine at codon 525 is replaced by leucine, an amino acid with highly similar properties. This amino acid position is conserved. In addition, this alteration is predicted to be tolerated by in silico analysis. Since supporting evidence is limited at this time, the clinical significance of this alteration remains unclear.

Labcorp Genetics (formerly Invitae), Labcorp
Classification: Uncertain significance for Fanconi anemia. Last evaluated: 2022-02-17. Review status: criteria provided, single submitter. Criteria: Invitae Variant Classification Sherloc (09022015). Collection method: clinical testing. Allele origin: germline.
Comment: This sequence change replaces phenylalanine, which is neutral and non-polar, with leucine, which is neutral and non-polar, at codon 525 of the FANCC protein (p.Phe525Leu). This variant is not present in population databases (gnomAD no frequency). This variant has not been reported in the literature in individuals affected with FANCC-related conditions. ClinVar contains an entry for this variant (Variation ID: 965630). Algorithms developed to predict the effect of missense changes on protein structure and function output the following: SIFT: "Tolerated"; PolyPhen-2: "Benign"; Align-GVGD: "Class C0". The leucine amino acid residue is found in multiple mammalian species, which suggests that this missense change does not adversely affect protein function. In summary, the available evidence is currently insufficient to determine the role of this variant in disease. Therefore, it has been classified as a Variant of Uncertain Significance.

Natera, Inc.
Classification: Uncertain significance for Fanconi anemia. Last evaluated: 2018-09-19. Review status: no assertion criteria provided. Collection method: clinical testing. Allele origin: germline. Not counted in ClinVar's aggregate classification.

NM_000136.3(FANCC):c.1573T>C (p.Phe525Leu)

Genes: FANCC (FA complementation group C; minus strand), AOPEP (aminopeptidase O (putative); plus strand). Cytogenetic location: 9q22.32.
Variant type: single nucleotide variant.
Coding change: c.1573T>C on transcript NM_000136.3 (MANE Select); coding-DNA position 1573, T replaced by C.
Protein change: p.Phe525Leu; replaces phenylalanine 525 with leucine.
Molecular consequence: missense variant.
Genome position (GRCh38, 1-based): chr9:95,101,811, A>G on the plus strand (T>C on the coding strand, the complement: FANCC is on the minus strand). VCF-style: chr9-95101811-A-G. GRCh37 (hg19) VCF-style: chr9-97864093-A-G.
Other names: c.1573T>C, p.Phe525Leu (NM_001243743.2); short protein forms F525L.
Identifiers: ClinVar variation 965630 (VCV000965630.13), dbSNP rs971409322, ClinGen allele CA196536797.
Genomic context (GRCh38, chr9:95,101,811, plus strand): 5'-TTTCTGATCTAGGGCTTTCAATGCCAAGACGATTCCATCTGTACAAGGTCTGGTCAAGAA[A>G]GCCAATGATCTCGTGAGTTATCTCAGCAGTGTGAGCCATCTGCAATCAGGACAGAAGAGA-3'
Protein context (NP_000127.2, residues 515-535): TAEITHEIIG[Phe525Leu]LDQTLYRWNR